The following is an entry in ClinVar:

ClinVar aggregate classification (germline): Uncertain significance (1 of 4 stars; one submission).

Conditions:
Long QT syndrome (LQTS). Identifiers: MedGen C0023976, MeSH D008133, MONDO:0002442. Disease mechanism: loss of function. Inheritance: Various modes of inheritance.

gnomAD v4.1: 2 of 1,611,708 alleles (0.00012%); highest among the groups gnomAD compares: Non-Finnish European, 0.00017%; no homozygotes.

Submission:

Labcorp Genetics (formerly Invitae), Labcorp
Classification: Uncertain significance for Long QT syndrome. Last evaluated: 2025-12-15. Review status: criteria provided, single submitter. Criteria: Invitae Variant Classification Sherloc (09022015). Collection method: clinical testing. Allele origin: germline.
Comment: This sequence change affects codon 1815 of the CACNA1C mRNA. It is a 'silent' change, meaning that it does not change the encoded amino acid sequence of the CACNA1C protein. It affects a nucleotide within the consensus splice site. This variant is not present in population databases (gnomAD no frequency). This variant has not been reported in the literature in individuals affected with CACNA1C-related conditions. ClinVar contains an entry for this variant (Variation ID: 3675917). Algorithms developed to predict the effect of sequence changes on RNA splicing suggest that this variant is not likely to affect RNA splicing. In summary, the available evidence is currently insufficient to determine the role of this variant in disease. Therefore, it has been classified as a Variant of Uncertain Significance.

NM_000719.7(CACNA1C):c.5445G>A (p.Arg1815=)

Genes: CACNA1C (calcium voltage-gated channel subunit alpha1 C; plus strand), CACNA1C-AS1 (CACNA1C antisense RNA 1; minus strand). Cytogenetic location: 12p13.33.
Variant type: single nucleotide variant.
Coding change: c.5445G>A on transcript NM_000719.7 (MANE Select); coding-DNA position 5445, G replaced by A.
Protein change: p.Arg1815=; no amino-acid change (arginine 1815 retained).
Molecular consequence: synonymous variant.
Genome position (GRCh38, 1-based): chr12:2,682,550, G>A. VCF-style: chr12-2682550-G-A. GRCh37 (hg19) VCF-style: chr12-2791716-G-A.
Other names: c.5589G>A, p.Arg1863= (NM_001129827.2); c.5568G>A, p.Arg1856= (NM_001129829.2); c.5550G>A, p.Arg1850= (NM_001129830.3, NM_001167624.3); c.5529G>A, p.Arg1843= (NM_001129831.2); c.5505G>A, p.Arg1835= (NM_001129832.2); c.5502G>A, p.Arg1834= (NM_001129833.2, NM_001129834.2, NM_001129835.2); c.5496G>A, p.Arg1832= (NM_001129836.2); c.5469G>A, p.Arg1823= (NM_001129837.2, NM_001129838.2); and 6 more.
Identifiers: ClinVar variation 3675917 (VCV003675917.2).